The following is an entry in ClinVar:

NM_001002294.3(FMO3):c.1005C>A (p.Tyr335Ter)

Gene: FMO3 (flavin containing dimethylaniline monoxygenase 3; plus strand). Cytogenetic location: 1q24.3.
Variant type: single nucleotide variant.
Coding change: c.1005C>A on transcript NM_001002294.3 (MANE Select); coding-DNA position 1005, C replaced by A.
Protein change: p.Tyr335Ter; replaces tyrosine 335 with a stop codon.
Molecular consequence: nonsense.
Genome position (GRCh38, 1-based): chr1:171,114,184, C>A. VCF-style: chr1-171114184-C-A. GRCh37 (hg19) VCF-style: chr1-171083324-C-A.
Other names: c.945C>A, p.Tyr315Ter (NM_001319173.2); c.816C>A, p.Tyr272Ter (NM_001319174.2); c.1005C>A, p.Tyr335Ter (NM_006894.6); c.1005C>A (NM_006894.5); short protein forms Y272*, Y315*, Y335*.
Identifiers: ClinVar variation 2692638 (VCV002692638.5), dbSNP rs989553837, ClinGen allele CA32550240.

ClinVar aggregate classification (germline): Pathogenic. Review status: criteria provided, multiple submitters, no conflicts (2 of 4 stars). 3 submissions from 3 submitters: Pathogenic (2). 1 of the submissions does not count toward it. Last evaluated 2025-05-15.

Conditions:
FMO3-related disorder. Also called: FMO3-related condition.
Trimethylaminuria (TMAU). Also called: FISH-ODOR SYNDROME; Fish malodor syndrome; Stale fish syndrome; TMAuria; Primary Trimethylaminuria. Identifiers: MedGen C0342739, MONDO:0011182, OMIM 602079, HP:0003614. Disease mechanism: loss of function.

Allele frequency attached by ClinVar (database versions not stated): TOPMed below 0.00001.

Submissions (3):

Myriad Genetics, Inc.
Classification: Pathogenic for Trimethylaminuria. Last evaluated: 2025-05-15. Review status: criteria provided, single submitter. Criteria: Myriad Autosomal Dominant, Autosomal Recessive and X-Linked Classification Criteria (2023). Collection method: clinical testing. Allele origin: unknown.
Comment: NM_001002294.2(FMO3):c.1005C>A(Y335*) is expected to be pathogenic in the context of primary trimethylaminuria. This variant is predicted to lead to an abnormal or absent protein product due to the creation of a premature termination codon in FMO3, a gene where loss-of-function variants are known to be pathogenic. Please note: this variant was assessed in the context of healthy population screening.

Labcorp Genetics (formerly Invitae), Labcorp
Classification: Pathogenic. Last evaluated: 2023-12-11. Review status: criteria provided, single submitter. Criteria: Invitae Variant Classification Sherloc (09022015). Collection method: clinical testing. Allele origin: germline.
Comment: This sequence change creates a premature translational stop signal (p.Tyr335*) in the FMO3 gene. It is expected to result in an absent or disrupted protein product. Loss-of-function variants in FMO3 are known to be pathogenic (PMID: 20301282). This variant is not present in population databases (gnomAD no frequency). This variant has not been reported in the literature in individuals affected with FMO3-related conditions. For these reasons, this variant has been classified as Pathogenic.

PreventionGenetics, part of Exact Sciences
Classification: Likely pathogenic for FMO3-related condition. Last evaluated: 2024-09-23. Review status: no assertion criteria provided. Collection method: clinical testing. Allele origin: germline. Not counted in ClinVar's aggregate classification.
Comment: The FMO3 c.1005C>A variant is predicted to result in premature protein termination (p.Tyr335*). To our knowledge, this variant has not been reported in the literature or in a large population database, indicating this variant is rare. Nonsense variants in FMO3 are expected to be pathogenic. This variant is interpreted as likely pathogenic.

Literature cited by the submitters: PubMed 20301282 (cited by Labcorp Genetics (formerly Invitae), Labcorp).